The following is an entry in ClinVar:

NM_002878.4(RAD51D):c.576G>A (p.Gln192=)

Genes: RAD51L3-RFFL (RAD51L3-RFFL readthrough; minus strand), RAD51D (RAD51 paralog D; minus strand). Cytogenetic location: 17q12.
Variant type: single nucleotide variant.
Coding change: c.576G>A on transcript NM_002878.4 (MANE Select); coding-DNA position 576, G replaced by A.
Protein change: p.Gln192=; no amino-acid change (glutamine 192 retained).
Molecular consequence: synonymous variant. On other transcripts: non-coding transcript variant (3).
Genome position (GRCh38, 1-based): chr17:35,106,386, C>T on the plus strand (G>A on the coding strand, the complement: RAD51D is on the minus strand). VCF-style: chr17-35106386-C-T. GRCh37 (hg19) VCF-style: chr17-33433405-C-T.
Other names: c.636G>A, p.Gln212= (NM_001142571.2); c.240G>A, p.Gln80= (NM_133629.3).
Identifiers: ClinVar variation 1005922 (VCV001005922.6), dbSNP rs2091602856, ClinGen allele CA499731557.

ClinVar aggregate classification (germline): Uncertain significance. Review status: criteria provided, multiple submitters, no conflicts (2 of 4 stars). 2 submissions from 2 submitters: Uncertain significance (2). Last evaluated 2024-07-08.

Conditions:
Breast-ovarian cancer, familial, susceptibility to, 4. Identifiers: Orphanet 145, MedGen C3280345, MONDO:0013669, OMIM 614291.
Hereditary breast ovarian cancer syndrome. Also called: Hereditary breast and/or ovarian cancer syndrome; Hereditary breast and ovarian cancer syndrome; Hereditary breast and ovarian cancer syndrome (HBOC); Breast and ovarian cancer; BRCA1- and BRCA2-Associated Hereditary Breast and Ovarian Cancer; Hereditary breast and ovarian cancer. Identifiers: Orphanet 145, MedGen C0677776, MeSH D061325, MONDO:0003582. Disease mechanism: loss of function.

Submissions (2):

German Consortium for Hereditary Breast and Ovarian Cancer, University Hospital Cologne
Classification: Uncertain significance for Hereditary breast ovarian cancer syndrome. Last evaluated: 2024-07-08. Review status: criteria provided, single submitter. Criteria: ACMG Guidelines, 2015. Collection method: curation. Allele origin: germline.
Comment: According to the ACMG SVI adaptation criteria we chose this criterion: PM2 (supporting pathogenic): not in gnomAD

Labcorp Genetics (formerly Invitae), Labcorp
Classification: Uncertain significance for Breast-ovarian cancer, familial, susceptibility to, 4. Last evaluated: 2023-10-18. Review status: criteria provided, single submitter. Criteria: Invitae Variant Classification Sherloc (09022015). Collection method: clinical testing. Allele origin: germline.
Comment: This sequence change affects codon 192 of the RAD51D mRNA. It is a 'silent' change, meaning that it does not change the encoded amino acid sequence of the RAD51D protein. This variant also falls at the last nucleotide of exon 6, which is part of the consensus splice site for this exon. This variant is not present in population databases (gnomAD no frequency). This variant has not been reported in the literature in individuals affected with RAD51D-related conditions. ClinVar contains an entry for this variant (Variation ID: 1005922). Variants that disrupt the consensus splice site are a relatively common cause of aberrant splicing (PMID: 17576681, 9536098). Algorithms developed to predict the effect of sequence changes on RNA splicing suggest that this variant is not likely to affect RNA splicing. In summary, the available evidence is currently insufficient to determine the role of this variant in disease. Therefore, it has been classified as a Variant of Uncertain Significance.

Literature cited by the submitters: PubMed 17576681 (cited by Labcorp Genetics (formerly Invitae), Labcorp); PubMed 9536098 (cited by Labcorp Genetics (formerly Invitae), Labcorp).